The following is an entry in ClinVar:

NM_005932.4(MIPEP):c.1259T>C (p.Leu420Pro)

Gene: MIPEP (mitochondrial intermediate peptidase; minus strand). Cytogenetic location: 13q12.12.
Variant type: single nucleotide variant.
Coding change: c.1259T>C on transcript NM_005932.4 (MANE Select); coding-DNA position 1259, T replaced by C.
Protein change: p.Leu420Pro; replaces leucine 420 with proline.
Molecular consequence: missense variant.
Genome position (GRCh38, 1-based): chr13:23,841,336, A>G on the plus strand (T>C on the coding strand, the complement: MIPEP is on the minus strand). VCF-style: chr13-23841336-A-G. GRCh37 (hg19) VCF-style: chr13-24415475-A-G.
Other names: short protein forms L420P.
Identifiers: ClinVar variation 1210219 (VCV001210219.2), dbSNP rs1869287041, ClinGen allele CA387522633.

ClinVar aggregate classification (germline): Likely pathogenic (1 of 4 stars; one submission).

Conditions:
Lethal left ventricular non-compaction-seizures-hypotonia-cataract-developmental delay syndrome. Also called: Combined oxidative phosphorylation deficiency 31. Identifiers: Orphanet 478049, MedGen C4310661, MONDO:0014976, OMIM 617228.

Allele frequency attached by ClinVar (database versions not stated): gnomAD exomes below 0.00001; TOPMed below 0.00001.
gnomAD v4.1: 2 of 1,608,870 alleles (0.00012%); highest among the groups gnomAD compares: Non-Finnish European, 0.00017%; no homozygotes.

Submission:

Randwick Genomics Laboratory, Prince of Wales Hospital Sydney, Australia, New South Wales Health Pathology
Classification: Likely pathogenic for Lethal left ventricular non-compaction-seizures-hypotonia-cataract-developmental delay syndrome. Review status: criteria provided, single submitter. Criteria: ACMG Guidelines, 2015. Collection method: clinical testing. Allele origin: germline. Affected: yes.
Comment: PM1, PM2, PM3, PP3

Sibling pair, AR compound heterozygote